The following is an entry in ClinVar:

NM_002471.4(MYH6):c.2717G>T (p.Arg906Leu)

Gene: MYH6 (myosin heavy chain 6; minus strand). Cytogenetic location: 14q11.2.
Variant type: single nucleotide variant.
Coding change: c.2717G>T on transcript NM_002471.4 (MANE Select); coding-DNA position 2717, G replaced by T.
Protein change: p.Arg906Leu; replaces arginine 906 with leucine.
Molecular consequence: missense variant.
Genome position (GRCh38, 1-based): chr14:23,393,877, C>A on the plus strand (G>T on the coding strand, the complement: MYH6 is on the minus strand). VCF-style: chr14-23393877-C-A. GRCh37 (hg19) VCF-style: chr14-23863086-C-A.
Other names: short protein forms R906L.
Identifiers: ClinVar variation 946324 (VCV000946324.12), dbSNP rs527636904, ClinGen allele CA7115382.

ClinVar aggregate classification (germline): Uncertain significance. Review status: criteria provided, multiple submitters, no conflicts (2 of 4 stars). 2 submissions from 2 submitters: Uncertain significance (2). Last evaluated 2025-02-06.

Conditions:
Cardiovascular phenotype. Identifiers: MedGen CN230736.
Hypertrophic cardiomyopathy 14. Identifiers: MedGen C2750467, MONDO:0013197, OMIM 613251.

Allele frequency attached by ClinVar (database versions not stated): TOPMed 0.00001.
gnomAD v4.1: 10 of 1,614,054 alleles (0.00062%); highest among the groups gnomAD compares: Middle Eastern, 0.016%; no homozygotes.

Submissions (2):

Labcorp Genetics (formerly Invitae), Labcorp
Classification: Uncertain significance for Hypertrophic cardiomyopathy 14. Last evaluated: 2025-02-06. Review status: criteria provided, single submitter. Criteria: Invitae Variant Classification Sherloc (09022015). Collection method: clinical testing. Allele origin: germline.
Comment: This sequence change replaces arginine, which is basic and polar, with leucine, which is neutral and non-polar, at codon 906 of the MYH6 protein (p.Arg906Leu). This variant is present in population databases (rs527636904, gnomAD 0.01%). This variant has not been reported in the literature in individuals affected with MYH6-related conditions. ClinVar contains an entry for this variant (Variation ID: 946324). An algorithm developed to predict the effect of missense changes on protein structure and function (PolyPhen-2) suggests that this variant is likely to be disruptive. In summary, the available evidence is currently insufficient to determine the role of this variant in disease. Therefore, it has been classified as a Variant of Uncertain Significance.

Ambry Genetics
Classification: Uncertain significance for Cardiovascular phenotype. Last evaluated: 2025-02-04. Review status: criteria provided, single submitter. Criteria: Ambry Variant Classification Scheme 2023. Collection method: clinical testing. Allele origin: germline.
Comment: The p.R906L variant (also known as c.2717G>T), located in coding exon 20 of the MYH6 gene, results from a G to T substitution at nucleotide position 2717. The arginine at codon 906 is replaced by leucine, an amino acid with dissimilar properties. This amino acid position is highly conserved in available vertebrate species. In addition, this alteration is predicted to be deleterious by in silico analysis. Since supporting evidence is limited at this time, the clinical significance of this alteration remains unclear.